The following is an entry in ClinVar:

ClinVar aggregate classification (germline): Uncertain significance (1 of 4 stars; one submission).

Conditions:
Fanconi anemia (FA). Also called: Fanconi's anemia. Identifiers: Orphanet 84, MedGen C0015625, MeSH D005199, MONDO:0019391.

Submission:

Labcorp Genetics (formerly Invitae), Labcorp
Classification: Uncertain significance for Fanconi anemia. Last evaluated: 2021-10-18. Review status: criteria provided, single submitter. Criteria: Invitae Variant Classification Sherloc (09022015). Collection method: clinical testing. Allele origin: germline.
Comment: In summary, the available evidence is currently insufficient to determine the role of this variant in disease. Therefore, it has been classified as a Variant of Uncertain Significance. Algorithms developed to predict the effect of missense changes on protein structure and function (SIFT, PolyPhen-2, Align-GVGD) all suggest that this variant is likely to be tolerated. This variant has not been reported in the literature in individuals affected with FANCM-related conditions. This variant is not present in population databases (ExAC no frequency). This sequence change replaces lysine with glutamic acid at codon 1352 of the FANCM protein (p.Lys1352Glu). The lysine residue is weakly conserved and there is a small physicochemical difference between lysine and glutamic acid.

NM_020937.4(FANCM):c.4054A>G (p.Lys1352Glu)

Gene: FANCM (FA complementation group M; plus strand). Cytogenetic location: 14q21.2.
Variant type: single nucleotide variant.
Coding change: c.4054A>G on transcript NM_020937.4 (MANE Select); coding-DNA position 4054, A replaced by G.
Protein change: p.Lys1352Glu; replaces lysine 1352 with glutamic acid.
Molecular consequence: missense variant.
Genome position (GRCh38, 1-based): chr14:45,176,808, A>G. VCF-style: chr14-45176808-A-G. GRCh37 (hg19) VCF-style: chr14-45646011-A-G.
Other names: c.3976A>G, p.Lys1326Glu (NM_001308133.2); short protein forms K1326E, K1352E.
Identifiers: ClinVar variation 950164 (VCV000950164.7), dbSNP rs1888737946, ClinGen allele CA389604106.